The following is an entry in ClinVar:

ClinVar aggregate classification (germline): Uncertain significance (1 of 4 stars; one submission).

Allele frequency attached by ClinVar (database versions not stated): ExAC 0.00008; gnomAD exomes 0.00008; TOPMed 0.00009; gnomAD 0.00010; ESP Exome Variant Server 0.00015; 1000 Genomes Project 30x 0.00016; 1000 Genomes Project 0.00020.
gnomAD v4.1: 135 of 1,614,114 alleles (0.0084%); highest among the groups gnomAD compares: East Asian, 0.013%; no homozygotes.

Submission:

Labcorp Genetics (formerly Invitae), Labcorp
Classification: Uncertain significance. Last evaluated: 2023-05-22. Review status: criteria provided, single submitter. Criteria: Invitae Variant Classification Sherloc (09022015). Collection method: clinical testing. Allele origin: germline.
Comment: This sequence change replaces aspartic acid, which is acidic and polar, with asparagine, which is neutral and polar, at codon 685 of the GLIS3 protein (p.Asp685Asn). This variant is present in population databases (rs201704428, gnomAD 0.02%). In summary, the available evidence is currently insufficient to determine the role of this variant in disease. Therefore, it has been classified as a Variant of Uncertain Significance. An algorithm developed to predict the effect of missense changes on protein structure and function (PolyPhen-2) suggests that this variant¬† is likely to be tolerated. ClinVar contains an entry for this variant (Variation ID: 2167981). This variant has not been reported in the literature in individuals affected with GLIS3-related conditions.

NM_001042413.2(GLIS3):c.2518G>A (p.Asp840Asn)

Gene: GLIS3 (GLIS family zinc finger 3; minus strand). Cytogenetic location: 9p24.2.
Variant type: single nucleotide variant.
Coding change: c.2518G>A on transcript NM_001042413.2 (MANE Select); coding-DNA position 2518, G replaced by A.
Protein change: p.Asp840Asn; replaces aspartic acid 840 with asparagine.
Molecular consequence: missense variant.
Genome position (GRCh38, 1-based): chr9:3,829,448, C>T on the plus strand (G>A on the coding strand, the complement: GLIS3 is on the minus strand). VCF-style: chr9-3829448-C-T. GRCh37 (hg19) VCF-style: chr9-3829448-C-T.
Other names: c.2053G>A, p.Asp685Asn (NM_152629.4); short protein forms D685N, D840N.
Identifiers: ClinVar variation 2167981 (VCV002167981.2), dbSNP rs201704428, ClinGen allele CA4967731.